The following is an entry in ClinVar:

ClinVar aggregate classification (germline): Conflicting classifications of pathogenicity. Review status: criteria provided, conflicting classifications (1 of 4 stars). 9 submissions from 9 submitters: Uncertain significance (8); Likely benign (1). Last evaluated 2026-10-13.

Conditions:
Osteogenesis imperfecta type 7 (OI7). Also called: OI type 7; OI type VII; OSTEOGENESIS IMPERFECTA, TYPE IIB; Osteogenesis imperfecta type 2B; OI type 2B; Osteogenesis imperfecta, perinatal lethal autosomal recessive. Identifiers: MedGen C1853162, MONDO:0012536, OMIM 610682.
Osteogenesis imperfecta (OI). Identifiers: Orphanet 666, MedGen C0029434, MeSH D010013, MONDO:0019019.

Allele frequency attached by ClinVar (database versions not stated): 1000 Genomes Project 0.00020; 1000 Genomes Project 30x 0.00031; gnomAD 0.00070; TOPMed 0.00082.
gnomAD v4.1: 1,995 of 1,602,454 alleles (0.12%); highest among the groups gnomAD compares: Non-Finnish European, 0.16%; 6 homozygotes.

Submissions (10):

GeneDx
Classification: Uncertain significance. Last evaluated: 2026-10-13. Review status: criteria provided, single submitter. Criteria: GeneDx Variant Classification Process June 2021. Collection method: clinical testing. Allele origin: germline.
Comment: Has not been previously published as pathogenic or benign to our knowledge; In silico analysis suggests that this missense variant does not alter protein structure/function

CeGaT Center for Human Genetics Tuebingen
Classification: Likely benign. Last evaluated: 2025-04-01. Review status: criteria provided, single submitter. Criteria: CeGaT Center For Human Genetics Tuebingen Variant Classification Criteria Version 2. Collection method: clinical testing. Allele origin: germline. Affected: yes. Observed: 1 variant allele.
Comment: CRTAP: PM5:Supporting, BS2

Labcorp Genetics (formerly Invitae), Labcorp
Classification: Uncertain significance for Osteogenesis imperfecta type 7. Last evaluated: 2022-10-18. Review status: criteria provided, single submitter. Criteria: Invitae Variant Classification Sherloc (09022015). Collection method: clinical testing. Allele origin: germline.
Comment: This sequence change replaces leucine, which is neutral and non-polar, with valine, which is neutral and non-polar, at codon 151 of the CRTAP protein (p.Leu151Val). This variant is present in population databases (rs202118861, gnomAD 0.1%), and has an allele count higher than expected for a pathogenic variant. This variant has not been reported in the literature in individuals affected with CRTAP-related conditions. ClinVar contains an entry for this variant (Variation ID: 429858). Advanced modeling of protein sequence and biophysical properties (such as structural, functional, and spatial information, amino acid conservation, physicochemical variation, residue mobility, and thermodynamic stability) performed at Invitae indicates that this missense variant is expected to disrupt CRTAP protein function. In summary, the available evidence is currently insufficient to determine the role of this variant in disease. Therefore, it has been classified as a Variant of Uncertain Significance.

Department of Pathology and Laboratory Medicine, Sinai Health System
Classification: Uncertain significance for osteogenesis imperfecta type 7. Last evaluated: 2021-08-25. Review status: criteria provided, single submitter. Criteria: ACMG Guidelines, 2015. Collection method: research. Allele origin: germline.

Revvity Omics, Revvity
Classification: Uncertain significance for Osteogenesis imperfecta type 7. Last evaluated: 2020-09-01. Review status: criteria provided, single submitter. Criteria: ACMG Guidelines, 2015. Collection method: clinical testing. Allele origin: germline.

Genome Diagnostics Laboratory, The Hospital for Sick Children
Classification: Uncertain significance for Osteogenesis imperfecta. Last evaluated: 2019-12-01. Review status: criteria provided, single submitter. Criteria: ACMG Guidelines, 2015. Collection method: clinical testing. Allele origin: germline.

ARUP Laboratories, Molecular Genetics and Genomics, ARUP Laboratories
Classification: Uncertain significance for Osteogenesis imperfecta type 7. Last evaluated: 2019-04-11. Review status: criteria provided, single submitter. Criteria: ARUP Molecular Germline Variant Investigation Process. Collection method: clinical testing. Allele origin: germline.
Comment: The CRTAP c.451C>G; p.Leu151Val variant (rs202118861), to our knowledge, has not been described in the medical literature but is listed as a variant of uncertain significance in ClinVar (Variation ID: 429858). It is observed in the general population at an overall frequency of 0.053% (131/246878 alleles) in the Genome Aggregation Database. The leucine at codon 151 is highly conserved, and computational algorithms (PolyPhen-2, SIFT) predict that this variant is deleterious. Another variant at this codon position (c.452T>C; p.Leu151Pro) has been described homozygously in an individual affected with osteogenesis imperfect type 3, though it is unclear if this variant was causative for the phenotype in this patient (Caparros-Martin 2016). Due to limited information regarding the p.Leu151Val variant, its clinical significance cannot be determined with certainty. REFERENCES Caparros-Martin J et al. Molecular spectrum and differential diagnosis in patients referred with sporadic or autosomal recessive osteogenesis imperfecta. Mol Genet Genomic Med. 2016 Dec 20;5(1):28-39.

Fulgent Genetics
Classification: Uncertain significance for Osteogenesis imperfecta type 7. Last evaluated: 2018-10-31. Review status: criteria provided, single submitter. Criteria: ACMG Guidelines, 2015. Collection method: clinical testing. Allele origin: unknown.

Illumina Laboratory Services, Illumina
Classification: Uncertain significance for Osteogenesis imperfecta type 7. Last evaluated: 2018-01-13. Review status: criteria provided, single submitter. Criteria: ICSL Variant Classification Criteria 13 December 2019. Collection method: clinical testing. Allele origin: germline.

Dr. Peter K. Rogan Lab, Western University
No classification provided (evidence only). Condition: Malignant tumor of urinary bladder. Review status: no classification provided. Collection method: in vitro. Allele origin: not applicable. Functional consequence: retained intron. Not counted in ClinVar's aggregate classification.

NM_006371.5(CRTAP):c.451C>G (p.Leu151Val)

Gene: CRTAP (cartilage associated protein; plus strand). Cytogenetic location: 3p22.3.
Variant type: single nucleotide variant.
Coding change: c.451C>G on transcript NM_006371.5 (MANE Select); coding-DNA position 451, C replaced by G.
Protein change: p.Leu151Val; replaces leucine 151 with valine.
Molecular consequence: missense variant.
Genome position (GRCh38, 1-based): chr3:33,114,528, C>G. VCF-style: chr3-33114528-C-G. GRCh37 (hg19) VCF-style: chr3-33156020-C-G.
Other names: c.451C>G, p.Leu151Val (NM_001393363.1, NM_001393364.1, NM_001393365.1); short protein forms L151V.
Identifiers: ClinVar variation 429858 (VCV000429858.38), dbSNP rs202118861, ClinGen allele CA2300277.
Genomic context (GRCh38, chr3:33,114,528, plus strand): 5'-CAGTCCCAGCCCAGCCGCGAGGTGCTGGCGGACTTCCAGCGCCGCGAGCCCTACAAGTTC[C>G]TGCAGTTCGCTTACTTCAAGGCAAGTCCGCCTCGCCCCGTCCCAGGCCCCGGCCCCGCCC-3'
Protein context (NP_006362.1, residues 141-161): DFQRREPYKF[Leu151Val]QFAYFKANNL